The following is an entry in ClinVar:

NM_002693.3(POLG):c.1289T>C (p.Met430Thr)

Gene: POLG (DNA polymerase gamma, catalytic subunit; minus strand). Cytogenetic location: 15q26.1.
Variant type: single nucleotide variant.
Coding change: c.1289T>C on transcript NM_002693.3 (MANE Select); coding-DNA position 1289, T replaced by C.
Protein change: p.Met430Thr; replaces methionine 430 with threonine.
Molecular consequence: missense variant.
Genome position (GRCh38, 1-based): chr15:89,327,311, A>G on the plus strand (T>C on the coding strand, the complement: POLG is on the minus strand). VCF-style: chr15-89327311-A-G. GRCh37 (hg19) VCF-style: chr15-89870542-A-G.
Other names: c.1289T>C, p.Met430Thr (NM_001126131.2); short protein forms M430T.
Identifiers: ClinVar variation 619407 (VCV000619407.1), dbSNP rs1567191474, ClinGen allele CA10602187.

ClinVar aggregate classification (germline): Pathogenic (1 of 4 stars; one submission).

Conditions:
Progressive sclerosing poliodystrophy (MTDPS4A). Also called: Alpers-Huttenlocher Syndrome (AHS); Alpers Syndrome; ALPERS PROGRESSIVE INFANTILE POLIODYSTROPHY; Mitochondrial DNA depletion syndrome 4A (Alpers type); ALPERS DIFFUSE DEGENERATION OF CEREBRAL GRAY MATTER WITH HEPATIC CIRRHOSIS; Alpers-Huttenlocher Syndrome. Identifiers: Orphanet 726, MedGen C0205710, MONDO:0008758, OMIM 203700.

Allele frequency attached by ClinVar (database versions not stated): gnomAD exomes below 0.00001.
gnomAD v4.1: 2 of 1,613,990 alleles (0.00012%); highest among the groups gnomAD compares: Non-Finnish European, 0.00017%; no homozygotes.

Submission:

Wong Mito Lab, Molecular and Human Genetics, Baylor College of Medicine
Classification: Pathogenic for Progressive sclerosing poliodystrophy. Last evaluated: 2018-10-01. Review status: criteria provided, single submitter. Criteria: ACMG Guidelines, 2015. Collection method: clinical testing. Allele origin: germline.
Comment: The NM_002693.2:c.1289T>C (NP_002684.1:p.Met430Thr) [GRCH38: NC_000015.10:g.89327311A>G] variant in POLG gene is interpretated to be a Pathogenic based on ACMG guidelines (PMID: 25741868). This variant meets the following evidence codes reported in the ACMG-guideline. PS1:This variation causes same amino-acid change as an established pathogenic variant. PM2:This variant is absent in key population databases. PM3:Detected in trans with a pathogenic variant for Mitochondrial DNA depletion syndrome 4A (Alpers type) which is a recessive disorder. PP1:This variant is co-segregated with Mitochondrial DNA depletion syndrome 4A (Alpers type) in multiple affected family members. PP2:This is a missense variant in POLG with a low rate of benign and high rate of pathogenic missense variations. PP3:Computational evidence/predictors indicate the variant has deleterious effect on POLG structure, function, or protein-protein interaction. PP4:Patient's phenotype or family history is highly specific for POLG. Based on the evidence criteria codes applied, the variant is suggested to be Pathogenic.